The following is an entry in ClinVar:

NM_000271.5(NPC1):c.887G>A (p.Arg296Gln)

Gene: NPC1 (NPC intracellular cholesterol transporter 1; minus strand). Cytogenetic location: 18q11.2.
Variant type: single nucleotide variant.
Coding change: c.887G>A on transcript NM_000271.5 (MANE Select); coding-DNA position 887, G replaced by A.
Protein change: p.Arg296Gln; replaces arginine 296 with glutamine.
Molecular consequence: missense variant.
Genome position (GRCh38, 1-based): chr18:23,557,185, C>T on the plus strand (G>A on the coding strand, the complement: NPC1 is on the minus strand). VCF-style: chr18-23557185-C-T. GRCh37 (hg19) VCF-style: chr18-21137149-C-T.
Other names: short protein forms R296Q.
Identifiers: ClinVar variation 1008873 (VCV001008873.5), dbSNP rs774386583, ClinGen allele CA8913601.

ClinVar aggregate classification (germline): Uncertain significance. Review status: criteria provided, single submitter (1 of 4 stars). 2 submissions from 2 submitters: Uncertain significance (1). 1 of the submissions does not count toward it. Last evaluated 2021-08-28.

Conditions:
Niemann-Pick disease, type C1. Also called: NIEMANN-PICK DISEASE, VARIANT TYPE C1; NEUROVISCERAL STORAGE DISEASE WITH VERTICAL SUPRANUCLEAR OPHTHALMOPLEGIA; NIEMANN-PICK DISEASE WITH CHOLESTEROL ESTERIFICATION BLOCK; NIEMANN-PICK DISEASE WITHOUT SPHINGOMYELINASE DEFICIENCY; NIEMANN-PICK DISEASE, CHRONIC NEURONOPATHIC FORM. Identifiers: Orphanet 646, MedGen C3179455, MONDO:0009757, OMIM 257220.

Allele frequency attached by ClinVar (database versions not stated): gnomAD 0.00001; gnomAD exomes 0.00001.
gnomAD v4.1: 15 of 1,612,350 alleles (0.00093%); highest among the groups gnomAD compares: South Asian, 0.0044%; no homozygotes.

Submissions (2):

Labcorp Genetics (formerly Invitae), Labcorp
Classification: Uncertain significance for Niemann-Pick disease, type C1. Last evaluated: 2021-08-28. Review status: criteria provided, single submitter. Criteria: Invitae Variant Classification Sherloc (09022015). Collection method: clinical testing. Allele origin: germline.
Comment: This sequence change replaces arginine with glutamine at codon 296 of the NPC1 protein (p.Arg296Gln). The arginine residue is moderately conserved and there is a small physicochemical difference between arginine and glutamine. This variant is present in population databases (rs774386583, ExAC 0.01%). This variant has not been reported in the literature in individuals affected with NPC1-related conditions. Algorithms developed to predict the effect of missense changes on protein structure and function (SIFT, PolyPhen-2, Align-GVGD) all suggest that this variant is likely to be tolerated. In summary, the available evidence is currently insufficient to determine the role of this variant in disease. Therefore, it has been classified as a Variant of Uncertain Significance.

Natera, Inc.
Classification: Uncertain significance for Niemann-Pick disease type C1. Last evaluated: 2020-01-24. Review status: no assertion criteria provided. Collection method: clinical testing. Allele origin: germline. Not counted in ClinVar's aggregate classification.